The following is an entry in ClinVar:

NM_032603.5(LOXL3):c.1662T>G (p.Cys554Trp)

Gene: LOXL3 (lysyl oxidase like 3; minus strand). Cytogenetic location: 2p13.1.
Variant type: single nucleotide variant.
Coding change: c.1662T>G on transcript NM_032603.5 (MANE Select); coding-DNA position 1662, T replaced by G.
Protein change: p.Cys554Trp; replaces cysteine 554 with tryptophan.
Molecular consequence: missense variant.
Genome position (GRCh38, 1-based): chr2:74,534,692, A>C on the plus strand (T>G on the coding strand, the complement: LOXL3 is on the minus strand). VCF-style: chr2-74534692-A-C. GRCh37 (hg19) VCF-style: chr2-74761819-A-C.
Other names: c.1227T>G, p.Cys409Trp (NM_001289164.3); c.579T>G, p.Cys193Trp (NM_001289165.2); short protein forms C193W, C409W, C554W.
Identifiers: ClinVar variation 1716710 (VCV001716710.3), dbSNP rs2529931118, ClinGen allele CA347386257.

ClinVar aggregate classification (germline): Uncertain significance (1 of 4 stars; one submission).

Submission:

Labcorp Genetics (formerly Invitae), Labcorp
Classification: Uncertain significance. Last evaluated: 2022-08-19. Review status: criteria provided, single submitter. Criteria: Invitae Variant Classification Sherloc (09022015). Collection method: clinical testing. Allele origin: germline.
Comment: This sequence change replaces cysteine, which is neutral and slightly polar, with tryptophan, which is neutral and slightly polar, at codon 554 of the LOXL3 protein (p.Cys554Trp). This variant is not present in population databases (gnomAD no frequency). This variant has not been reported in the literature in individuals affected with LOXL3-related conditions. Algorithms developed to predict the effect of missense changes on protein structure and function are either unavailable or do not agree on the potential impact of this missense change (SIFT: "Deleterious"; PolyPhen-2: "Probably Damaging"; Align-GVGD: "Class C15"). In summary, the available evidence is currently insufficient to determine the role of this variant in disease. Therefore, it has been classified as a Variant of Uncertain Significance.